The following is an entry in ClinVar:

NM_000489.6(ATRX):c.4321A>C (p.Asn1441His)

Gene: ATRX (ATRX chromatin remodeler; minus strand). Cytogenetic location: Xq21.1.
Variant type: single nucleotide variant.
Coding change: c.4321A>C on transcript NM_000489.6 (MANE Select); coding-DNA position 4321, A replaced by C.
Protein change: p.Asn1441His; replaces asparagine 1441 with histidine.
Molecular consequence: missense variant.
Genome position (GRCh38, 1-based): chrX:77,652,350, T>G on the plus strand (A>C on the coding strand, the complement: ATRX is on the minus strand). VCF-style: chrX-77652350-T-G. GRCh37 (hg19) VCF-style: chrX-76907840-T-G.
Other names: c.4207A>C, p.Asn1403His (NM_138270.5); short protein forms N1403H, N1441H.
Identifiers: ClinVar variation 1327324 (VCV001327324.2), dbSNP rs2148440711, ClinGen allele CA413709016.

ClinVar aggregate classification (germline): Uncertain significance (1 of 4 stars; one submission).

Submission:

GeneDx
Classification: Uncertain significance. Last evaluated: 2021-06-03. Review status: criteria provided, single submitter. Criteria: GeneDx Variant Classification Process June 2021. Collection method: clinical testing. Allele origin: germline. Affected: yes.
Comment: Not observed at significant frequency in large population cohorts (Lek et al., 2016); In silico analysis supports that this missense variant does not alter protein structure/function; Has not been previously published as pathogenic or benign to our knowledge; This variant is associated with the following publications: (PMID: 27535533)